The following is an entry in ClinVar:

ClinVar aggregate classification (germline): Likely benign (1 of 4 stars; one submission).

Allele frequency attached by ClinVar (database versions not stated): gnomAD exomes 0.00001; TOPMed 0.00004; gnomAD 0.00005.
gnomAD v4.1: 27 of 1,550,954 alleles (0.0017%); highest among the groups gnomAD compares: Non-Finnish European, 0.0023%; no homozygotes.

Submission:

CeGaT Center for Human Genetics Tuebingen
Classification: Likely benign. Last evaluated: 2022-05-01. Review status: criteria provided, single submitter. Criteria: CeGaT Center For Human Genetics Tuebingen Variant Classification Criteria Version 2. Collection method: clinical testing. Allele origin: germline. Affected: yes. Observed: 2 variant alleles.
Comment: OTOG: BP4, BP7

NM_001292063.2(OTOG):c.8607C>T (p.Thr2869=)

Gene: OTOG (otogelin; plus strand). Cytogenetic location: 11p15.1.
Variant type: single nucleotide variant.
Coding change: c.8607C>T on transcript NM_001292063.2 (MANE Select); coding-DNA position 8607, C replaced by T.
Protein change: p.Thr2869=; no amino-acid change (threonine 2869 retained).
Molecular consequence: synonymous variant.
Genome position (GRCh38, 1-based): chr11:17,645,809, C>T. VCF-style: chr11-17645809-C-T. GRCh37 (hg19) VCF-style: chr11-17667356-C-T.
Other names: c.8643C>T, p.Thr2881= (NM_001277269.2).
Identifiers: ClinVar variation 2641657 (VCV002641657.24), dbSNP rs1247864136, ClinGen allele CA473301156.